The following is an entry in ClinVar:

NM_001134363.3(RBM20):c.1769T>G (p.Met590Arg)

Gene: RBM20 (RNA binding motif protein 20; plus strand). Cytogenetic location: 10q25.2.
Variant type: single nucleotide variant.
Coding change: c.1769T>G on transcript NM_001134363.3 (MANE Select); coding-DNA position 1769, T replaced by G.
Protein change: p.Met590Arg; replaces methionine 590 with arginine.
Molecular consequence: missense variant.
Genome position (GRCh38, 1-based): chr10:110,799,887, T>G. VCF-style: chr10-110799887-T-G. GRCh37 (hg19) VCF-style: chr10-112559645-T-G.
Other names: p.M590R:ATG>AGG; c.1769T>G (LRG_382t1); short protein forms M590R.
Identifiers: ClinVar variation 202060 (VCV000202060.13), dbSNP rs794729147, ClinGen allele CA335543.

ClinVar aggregate classification (germline): Uncertain significance. Review status: criteria provided, multiple submitters, no conflicts (2 of 4 stars). 3 submissions from 3 submitters: Uncertain significance (3). Last evaluated 2021-10-19.

Conditions:
Cardiovascular phenotype. Identifiers: MedGen CN230736.
Dilated cardiomyopathy 1DD (CMD1DD). Identifiers: Orphanet 154, MedGen C2750995, MONDO:0013168, OMIM 613172.

Allele frequency attached by ClinVar (database versions not stated): gnomAD exomes below 0.00001; TOPMed 0.00001.
gnomAD v4.1: 2 of 1,552,146 alleles (0.00013%); highest among the groups gnomAD compares: South Asian, 0.0012%; no homozygotes.

Submissions (3):

Ambry Genetics
Classification: Uncertain significance for Cardiovascular phenotype. Last evaluated: 2021-10-19. Review status: criteria provided, single submitter. Criteria: Ambry Variant Classification Scheme 2023. Collection method: clinical testing. Allele origin: germline.
Comment: The p.M590R variant (also known as c.1769T>G), located in coding exon 7 of the RBM20 gene, results from a T to G substitution at nucleotide position 1769. The methionine at codon 590 is replaced by arginine, an amino acid with similar properties. This amino acid position is highly conserved in available vertebrate species. In addition, this alteration is predicted to be deleterious by in silico analysis. Since supporting evidence is limited at this time, the clinical significance of this alteration remains unclear.

Labcorp Genetics (formerly Invitae), Labcorp
Classification: Uncertain significance for Dilated cardiomyopathy 1DD. Last evaluated: 2019-07-06. Review status: criteria provided, single submitter. Criteria: Invitae Variant Classification Sherloc (09022015). Collection method: clinical testing. Allele origin: germline.
Comment: In summary, the available evidence is currently insufficient to determine the role of this variant in disease. Therefore, it has been classified as a Variant of Uncertain Significance. Algorithms developed to predict the effect of missense changes on protein structure and function (SIFT, PolyPhen-2, Align-GVGD) all suggest that this variant is likely to be disruptive, but these predictions have not been confirmed by published functional studies and their clinical significance is uncertain. This variant has not been reported in the literature in individuals with RBM20-related conditions. ClinVar contains an entry for this variant (Variation ID: 202060). This variant is not present in population databases (ExAC no frequency). This sequence change replaces methionine with arginine at codon 590 of the RBM20 protein (p.Met590Arg). The methionine residue is highly conserved and there is a moderate physicochemical difference between methionine and arginine.

GeneDx
Classification: Uncertain significance. Last evaluated: 2013-04-26. Review status: criteria provided, single submitter. Criteria: GeneDx Variant Classification (06012015). Collection method: clinical testing. Allele origin: germline. Affected: yes.
Comment: p.Met590Arg (ATG>AGG): c.1769 T>G in exon 7 of the RBM20 gene (NM_001134363.1). The Met590Arg variant in the RBM20 gene has not been reported as a disease-causing mutation or as a benign polymorphism to our knowledge. Met590Arg results in a non-conservative amino acid substitution of a non-polar Methionine with a positively charged Arginine at a position that is conserved across species. In silico analysis predicts Met590Arg is probably damaging to the protein structure/function. The Met590Arg variant was not observed in approximately 2,000 individuals of European and African American ancestry in the NHLBI Exome Sequencing Project, indicating it is not a common benign variant in these populations. Nevertheless, no mutations in nearby codons have been reported in association with cardiomyopathy. With the clinical and molecular information available at this time, we cannot definitively determine if Met590Arg is a disease-causing mutation or a rare benign variant. The variant is found in DCM panel(s).